The following is an entry in ClinVar:

NM_021629.4(GNB4):c.784T>C (p.Leu262=)

Gene: GNB4 (G protein subunit beta 4; minus strand). Cytogenetic location: 3q26.33.
Variant type: single nucleotide variant.
Coding change: c.784T>C on transcript NM_021629.4 (MANE Select); coding-DNA position 784, T replaced by C.
Protein change: p.Leu262=; no amino-acid change (leucine 262 retained).
Molecular consequence: synonymous variant.
Genome position (GRCh38, 1-based): chr3:179,405,322, A>G on the plus strand (T>C on the coding strand, the complement: GNB4 is on the minus strand). VCF-style: chr3-179405322-A-G. GRCh37 (hg19) VCF-style: chr3-179123110-A-G.
Other names: c.784T>C (NM_021629.3).
Identifiers: ClinVar variation 2849227 (VCV002849227.4), dbSNP rs1714433223, ClinGen allele CA437175292.

ClinVar aggregate classification (germline): Likely benign. Review status: criteria provided, multiple submitters, no conflicts (2 of 4 stars). 2 submissions from 2 submitters: Likely benign (2). Last evaluated 2026-04-15.

Conditions:
Charcot-Marie-Tooth disease dominant intermediate F. Identifiers: Orphanet 352670, MedGen C4749463, MONDO:0014074, OMIM 615185.
GNB4-related disorder. Also called: GNB4-related condition.

Allele frequency attached by ClinVar (database versions not stated): gnomAD exomes below 0.00001.
gnomAD v4.1: 1 of 1,614,122 alleles (0.000062%); highest among the groups gnomAD compares: Non-Finnish European, 0.000085%; no homozygotes.

Submissions (2):

PreventionGenetics, part of Exact Sciences
Classification: Likely benign for GNB4-related condition. Last evaluated: 2026-04-15. Review status: criteria provided, single submitter. Criteria: ACMG Guidelines, 2015. Collection method: clinical testing. Allele origin: germline.
Comment: This variant is classified as likely benign based on ACMG/AMP sequence variant interpretation guidelines (Richards et al. 2015 PMID: 25741868, with internal and published modifications).

Labcorp Genetics (formerly Invitae), Labcorp
Classification: Likely benign for Charcot-Marie-Tooth disease dominant intermediate F. Last evaluated: 2023-07-29. Review status: criteria provided, single submitter. Criteria: Invitae Variant Classification Sherloc (09022015). Collection method: clinical testing. Allele origin: germline.